The following is an entry in ClinVar:

ClinVar aggregate classification (germline): Pathogenic/Likely pathogenic. Review status: criteria provided, multiple submitters, no conflicts (2 of 4 stars). 2 submissions from 2 submitters: Pathogenic (1); Likely pathogenic (1). Last evaluated 2022-09-15.

Conditions:
Charcot-Marie-Tooth disease type 2. Also called: Charcot-Marie-Tooth type 2. Identifiers: Orphanet 64746, MedGen C0270914, MONDO:0018993.
Congenital muscular dystrophy due to LMNA mutation. Also called: Congenital muscular dystrophy, LMNA-related; Lamin A-related Congenital Muscular Dystrophy. Identifiers: Orphanet 157973, MedGen C2750785, MONDO:0013178, OMIM 613205.

Submissions (2):

Labcorp Genetics (formerly Invitae), Labcorp
Classification: Pathogenic for Charcot-Marie-Tooth disease type 2. Last evaluated: 2022-09-15. Review status: criteria provided, single submitter. Criteria: Invitae Variant Classification Sherloc (09022015). Collection method: clinical testing. Allele origin: germline.
Comment: This sequence change replaces lysine, which is basic and polar, with glutamic acid, which is acidic and polar, at codon 32 of the LMNA protein (p.Lys32Glu). This variant is not present in population databases (gnomAD no frequency). This missense change has been observed in individual(s) with autosomal dominant LMNA-related neuromuscular conditions (PMID: 28688748, 32571898; Clinvar). In at least one individual the variant was observed to be de novo. ClinVar contains an entry for this variant (Variation ID: 476837). Advanced modeling of protein sequence and biophysical properties (such as structural, functional, and spatial information, amino acid conservation, physicochemical variation, residue mobility, and thermodynamic stability) performed at Invitae indicates that this missense variant is expected to disrupt LMNA protein function. For these reasons, this variant has been classified as Pathogenic.

Broad Center for Mendelian Genomics, Broad Institute of MIT and Harvard
Classification: Likely pathogenic for Congenital muscular dystrophy due to LMNA mutation. Last evaluated: 2018-06-15. Review status: criteria provided, single submitter. Criteria: ACMG Guidelines, 2015. Collection method: research. Allele origin: germline. Inheritance: Autosomal dominant inheritance. Affected: yes.
Comment: Trio exome analysis showed this variant to be de novo. This variant has been identified in the literature in one affected heterozygous proband (Monges et al. 2011). This variant was absent from large population studies. The Lysine (Lys) at position 32 is highly conserved in mammals and evolutionarily distant species, supporting that a change at this position may not be tolerated. Additionally, computational prediction tools suggest that this variant may impact the protein. A lab has reported this variant as likely pathogenic in Clinvar; however, the phenotype listed is Charcot-Marie-Tooth disease. In summary, although additional studies are required to fully establish its pathogenicity, this variant is likely pathogenic for congenital muscular dystrophy.

Literature cited by the submitters: PubMed 28688748 (cited by Labcorp Genetics (formerly Invitae), Labcorp); PubMed 32571898 (cited by Labcorp Genetics (formerly Invitae), Labcorp).

NM_170707.4(LMNA):c.94A>G (p.Lys32Glu)

Genes: LMNA (lamin A/C; plus strand), LOC129931597 (ATAC-STARR-seq lymphoblastoid silent region 1421; plus strand). Cytogenetic location: 1q22.
Variant type: single nucleotide variant.
Coding change: c.94A>G on transcript NM_170707.4 (MANE Select); coding-DNA position 94, A replaced by G.
Protein change: p.Lys32Glu; replaces lysine 32 with glutamic acid.
Molecular consequence: missense variant.
Genome position (GRCh38, 1-based): chr1:156,115,012, A>G. VCF-style: chr1-156115012-A-G. GRCh37 (hg19) VCF-style: chr1-156084803-A-G.
Other names: c.94A>G, p.Lys32Glu (NM_001282625.2, NM_001282626.2, NM_005572.4 and 1 more transcripts); short protein forms K32E.
Identifiers: ClinVar variation 476837 (VCV000476837.10), dbSNP rs1553261891, ClinGen allele CA342807424.
Genomic context (GRCh38, chr1:156,115,012, plus strand): 5'-AGCGGGGCGCAGGCCAGCTCCACTCCGCTGTCGCCCACCCGCATCACCCGGCTGCAGGAG[A>G]AGGAGGACCTGCAGGAGCTCAATGATCGCTTGGCGGTCTACATCGACCGTGTGCGCTCGC-3'
Protein context (NP_733821.1, residues 22-42): SPTRITRLQE[Lys32Glu]EDLQELNDRL